The following is an entry in ClinVar:

ClinVar aggregate classification (germline): Uncertain significance. Review status: criteria provided, multiple submitters, no conflicts (2 of 4 stars). 2 submissions from 2 submitters: Uncertain significance (2). Last evaluated 2023-07-03.

Conditions:
Autosomal dominant Parkinson disease 8. Also called: LRRK2-Related Parkinson Disease; Parkinson disease 8; Parkinson disease 8, susceptibility to. Identifiers: Orphanet 411602, MedGen C1846862, MONDO:0011764, OMIM 607060.
Inborn genetic diseases. Identifiers: MedGen C0950123, MeSH D030342.

Allele frequency attached by ClinVar (database versions not stated): gnomAD 0.00001.

Submissions (2):

Labcorp Genetics (formerly Invitae), Labcorp
Classification: Uncertain significance for Autosomal dominant Parkinson disease 8. Last evaluated: 2023-07-03. Review status: criteria provided, single submitter. Criteria: Invitae Variant Classification Sherloc (09022015). Collection method: clinical testing. Allele origin: germline.
Comment: This sequence change replaces isoleucine, which is neutral and non-polar, with valine, which is neutral and non-polar, at codon 2167 of the LRRK2 protein (p.Ile2167Val). This variant is not present in population databases (gnomAD no frequency). This variant has not been reported in the literature in individuals affected with LRRK2-related conditions. ClinVar contains an entry for this variant (Variation ID: 1753855). Algorithms developed to predict the effect of missense changes on protein structure and function output the following: SIFT: "Not Available"; PolyPhen-2: "Benign"; Align-GVGD: "Not Available". The valine amino acid residue is found in multiple mammalian species, which suggests that this missense change does not adversely affect protein function. In summary, the available evidence is currently insufficient to determine the role of this variant in disease. Therefore, it has been classified as a Variant of Uncertain Significance.

Ambry Genetics
Classification: Uncertain significance for Inborn genetic diseases. Last evaluated: 2022-03-16. Review status: criteria provided, single submitter. Criteria: Ambry Variant Classification Scheme 2023. Collection method: clinical testing. Allele origin: germline.
Comment: The p.I2167V variant (also known as c.6499A>G), located in coding exon 44 of the LRRK2 gene, results from an A to G substitution at nucleotide position 6499. The isoleucine at codon 2167 is replaced by valine, an amino acid with highly similar properties. This amino acid position is conserved. In addition, this alteration is predicted to be tolerated by in silico analysis. Since supporting evidence is limited at this time, the clinical significance of this alteration remains unclear.

NM_198578.4(LRRK2):c.6499A>G (p.Ile2167Val)

Gene: LRRK2 (leucine rich repeat kinase 2; plus strand). Cytogenetic location: 12q12.
Variant type: single nucleotide variant.
Coding change: c.6499A>G on transcript NM_198578.4 (MANE Select); coding-DNA position 6499, A replaced by G.
Protein change: p.Ile2167Val; replaces isoleucine 2167 with valine.
Molecular consequence: missense variant.
Genome position (GRCh38, 1-based): chr12:40,351,656, A>G. VCF-style: chr12-40351656-A-G. GRCh37 (hg19) VCF-style: chr12-40745458-A-G.
Other names: short protein forms I2167V.
Identifiers: ClinVar variation 1753855 (VCV001753855.5), dbSNP rs1946357607, ClinGen allele CA384407064.